The following is an entry in ClinVar:

NM_000038.6(APC):c.1404A>C (p.Glu468Asp)

Gene: APC (APC regulator of Wnt signaling pathway; plus strand). Cytogenetic location: 5q22.2.
Variant type: single nucleotide variant.
Coding change: c.1404A>C on transcript NM_000038.6 (MANE Select); coding-DNA position 1404, A replaced by C.
Protein change: p.Glu468Asp; replaces glutamic acid 468 with aspartic acid.
Molecular consequence: missense variant. On other transcripts: non-coding transcript variant (2).
Genome position (GRCh38, 1-based): chr5:112,821,987, A>C. VCF-style: chr5-112821987-A-C. GRCh37 (hg19) VCF-style: chr5-112157684-A-C.
Other names: c.1404A>C, p.Glu468Asp (NM_001127510.3, NM_001354895.2, NM_001354896.2 and 4 more transcripts); c.1350A>C, p.Glu450Asp (NM_001127511.3); c.1434A>C, p.Glu478Asp (NM_001354897.2, NM_001407446.1); c.1329A>C, p.Glu443Asp (NM_001354898.2, NM_001407451.1); c.1320A>C, p.Glu440Asp (NM_001354899.2, NM_001407452.1); c.1227A>C, p.Glu409Asp (NM_001354900.2, NM_001354901.2, NM_001407453.1); c.1131A>C, p.Glu377Asp (NM_001354902.2); c.1101A>C, p.Glu367Asp (NM_001354903.2, NM_001407458.1, NM_001407459.1 and 5 more transcripts); and 5 more; short protein forms E342D, E440D, E84D, E468D, E185D, E308D, E339D, E367D.
Identifiers: ClinVar variation 3303090 (VCV003303090.1).

ClinVar aggregate classification (germline): Uncertain significance (1 of 4 stars; one submission).

Conditions:
Hereditary cancer-predisposing syndrome. Also called: Tumor predisposition; Hereditary Cancer Syndrome; Hereditary neoplastic syndrome; Neoplastic Syndromes, Hereditary. Identifiers: Orphanet 140162, MedGen C0027672, MeSH D009386, MONDO:0015356.

Submission:

Ambry Genetics
Classification: Uncertain significance for Hereditary cancer-predisposing syndrome. Last evaluated: 2024-05-15. Review status: criteria provided, single submitter. Criteria: Ambry Variant Classification Scheme 2023. Collection method: clinical testing. Allele origin: germline.
Comment: The p.E468D variant (also known as c.1404A>C), located in coding exon 10 of the APC gene, results from an A to C substitution at nucleotide position 1404. The glutamic acid at codon 468 is replaced by aspartic acid, an amino acid with highly similar properties. This amino acid position is conserved. In addition, in silico predictors for this gene do not accurately predict pathogenicity. Based on the available evidence, the clinical significance of this variant remains unclear.